The following is an entry in ClinVar:

NM_001367624.2(ZNF469):c.8792C>G (p.Pro2931Arg)

Gene: ZNF469 (zinc finger protein 469; plus strand). Cytogenetic location: 16q24.2.
Variant type: single nucleotide variant.
Coding change: c.8792C>G on transcript NM_001367624.2 (MANE Select); coding-DNA position 8792, C replaced by G.
Protein change: p.Pro2931Arg; replaces proline 2931 with arginine.
Molecular consequence: missense variant.
Genome position (GRCh38, 1-based): chr16:88,436,262, C>G. VCF-style: chr16-88436262-C-G. GRCh37 (hg19) VCF-style: chr16-88502670-C-G.
Other names: NM_001127464.1:c.8708C>G; short protein forms P2931R.
Identifiers: ClinVar variation 1764380 (VCV001764380.3), dbSNP rs1906565350, ClinGen allele CA397119447.

ClinVar aggregate classification (germline): Uncertain significance (1 of 4 stars; one submission).

Conditions:
Cardiovascular phenotype. Identifiers: MedGen CN230736.

Allele frequency attached by ClinVar (database versions not stated): gnomAD exomes below 0.00001; TOPMed below 0.00001.
gnomAD v4.1: 1 of 1,549,924 alleles (0.000065%); highest among the groups gnomAD compares: Non-Finnish European, 0.000087%; no homozygotes.

Submission:

Ambry Genetics
Classification: Uncertain significance for Cardiovascular phenotype. Last evaluated: 2024-08-12. Review status: criteria provided, single submitter. Criteria: Ambry Variant Classification Scheme 2023. Collection method: clinical testing. Allele origin: germline.
Comment: The p.P2903R variant (also known as c.8708C>G), located in coding exon 2 of the ZNF469 gene, results from a C to G substitution at nucleotide position 8708. The proline at codon 2903 is replaced by arginine, an amino acid with dissimilar properties. This amino acid position is conserved. In addition, this alteration is predicted to be tolerated by in silico analysis. Since supporting evidence is limited at this time, the clinical significance of this alteration remains unclear.